The following is an entry in ClinVar:

NM_005739.4(RASGRP1):c.1324-6T>C

Gene: RASGRP1 (RAS guanyl releasing protein 1; minus strand). Cytogenetic location: 15q14.
Variant type: single nucleotide variant.
Coding change: c.1324-6T>C on transcript NM_005739.4 (MANE Select); 6 bases into the intron before coding-DNA position 1324, T replaced by C.
Molecular consequence: intron variant.
Genome position (GRCh38, 1-based): chr15:38,503,382, A>G on the plus strand (T>C on the coding strand, the complement: RASGRP1 is on the minus strand). VCF-style: chr15-38503382-A-G. GRCh37 (hg19) VCF-style: chr15-38795583-A-G.
Other names: c.1324-961T>C (NM_001306086.2, NM_001128602.2).
Identifiers: ClinVar variation 2130196 (VCV002130196.4), dbSNP rs2542872241, ClinGen allele CA489696660.
Genomic context (GRCh38, chr15:38,503,382, plus strand): 5'-GAGACACTCCAGAAGCCCAGTCCACTACTACTGGTGGCTTTGAAGGTGTTAGTGGCTAAA[A>G]TGAAATATTTAGAGAAATCCTCATGACTACAATGCAATATTATAACCTATAGCTCTTTCT-3'

ClinVar aggregate classification (germline): Uncertain significance (1 of 4 stars; one submission).

Allele frequency attached by ClinVar (database versions not stated): gnomAD exomes below 0.00001.
gnomAD v4.1: 1 of 1,582,492 alleles (0.000063%); highest among the groups gnomAD compares: Non-Finnish European, 0.000086%; no homozygotes.

Submission:

Labcorp Genetics (formerly Invitae), Labcorp
Classification: Uncertain significance. Last evaluated: 2024-10-16. Review status: criteria provided, single submitter. Criteria: Invitae Variant Classification Sherloc (09022015). Collection method: clinical testing. Allele origin: germline.
Comment: This sequence change falls in intron 10 of the RASGRP1 gene. It does not directly change the encoded amino acid sequence of the RASGRP1 protein. This variant is not present in population databases (gnomAD no frequency). This variant has not been reported in the literature in individuals affected with RASGRP1-related conditions. ClinVar contains an entry for this variant (Variation ID: 2130196). Algorithms developed to predict the effect of sequence changes on RNA splicing suggest that this variant may disrupt the consensus splice site. In summary, the available evidence is currently insufficient to determine the role of this variant in disease. Therefore, it has been classified as a Variant of Uncertain Significance.